The following is an entry in ClinVar:

ClinVar aggregate classification (germline): Benign (1 of 4 stars; one submission).

Submission:

Unidad de Genómica Garrahan, Hospital de Pediatría Garrahan
Classification: Benign. Last evaluated: 2024-01-24. Review status: criteria provided, single submitter. Criteria: ACMG Guidelines, 2015. Collection method: clinical testing. Allele origin: germline. Affected: no. Observed: 25 variant alleles.
Comment: This variant is classified as Benign based on local population frequency. This variant was detected in 28% of patients studied by a panel of primary immunodeficiencies. Number of patients: 25. Only high quality variants are reported.

NC_000016.10:g.30183126A>C

Variant type: single nucleotide variant.
Genome position: GRCh38 VCF-style: chr16-30183126-A-C. GRCh37 (hg19) VCF-style: chr16-30194447-A-C.
Identifiers: ClinVar variation 2688464 (VCV002688464.2), dbSNP rs74183730, ClinGen allele CA8003006.